The following is an entry in ClinVar:

ClinVar aggregate classification (germline): Uncertain significance (1 of 4 stars; one submission).

Conditions:
Spastic paraplegia. Identifiers: MedGen C0037772, HP:0001258.

Submission:

Labcorp Genetics (formerly Invitae), Labcorp
Classification: Uncertain significance for Spastic paraplegia. Last evaluated: 2022-09-20. Review status: criteria provided, single submitter. Criteria: Invitae Variant Classification Sherloc (09022015). Collection method: clinical testing. Allele origin: germline.
Comment: In summary, the available evidence is currently insufficient to determine the role of this variant in disease. Therefore, it has been classified as a Variant of Uncertain Significance. Advanced modeling of protein sequence and biophysical properties (such as structural, functional, and spatial information, amino acid conservation, physicochemical variation, residue mobility, and thermodynamic stability) performed at Invitae indicates that this missense variant is expected to disrupt B4GALNT1 protein function. This variant has not been reported in the literature in individuals affected with B4GALNT1-related conditions. This variant is not present in population databases (gnomAD no frequency). This sequence change replaces phenylalanine, which is neutral and non-polar, with leucine, which is neutral and non-polar, at codon 464 of the B4GALNT1 protein (p.Phe464Leu).

NM_001478.5(B4GALNT1):c.1390T>C (p.Phe464Leu)

Gene: B4GALNT1 (beta-1,4-N-acetyl-galactosaminyltransferase 1; minus strand). Cytogenetic location: 12q13.3.
Variant type: single nucleotide variant.
Coding change: c.1390T>C on transcript NM_001478.5 (MANE Select); coding-DNA position 1390, T replaced by C.
Protein change: p.Phe464Leu; replaces phenylalanine 464 with leucine.
Molecular consequence: missense variant.
Genome position (GRCh38, 1-based): chr12:57,626,956, A>G on the plus strand (T>C on the coding strand, the complement: B4GALNT1 is on the minus strand). VCF-style: chr12-57626956-A-G. GRCh37 (hg19) VCF-style: chr12-58020739-A-G.
Other names: c.1225T>C, p.Phe409Leu (NM_001276468.2, NM_001413978.1); c.1558T>C, p.Phe520Leu (NM_001413967.1); c.1525T>C, p.Phe509Leu (NM_001413968.1, NM_001413969.1); c.1423T>C, p.Phe475Leu (NM_001413970.1, NM_001413971.1, NM_001413972.1); c.1390T>C, p.Phe464Leu (NM_001413973.1, NM_001413974.1); c.1291T>C, p.Phe431Leu (NM_001413977.1); c.538T>C, p.Phe180Leu (NM_001413981.1); c.436T>C, p.Phe146Leu (NM_001413982.1); and 1 more; short protein forms F135L, F180L, F409L, F431L, F520L, F146L, F464L, F475L.
Identifiers: ClinVar variation 2066778 (VCV002066778.4), dbSNP rs2540640850, ClinGen allele CA385493303.
Genomic context (GRCh38, chr12:57,626,956, plus strand): 5'-CATGATCCACCACGACGTCGGAGCAGGAGCCAACCCGAAGGGAACCAAGCCCATCCAAGA[A>G]GAATTCTGGGGGTGGAGGGGAGTACACAGTGAGGGATCCTGAGGGTGCAGAAGGCCGACT-3'
Protein context (NP_001469.1, residues 454-474): RLSRVAHLEF[Phe464Leu]LDGLGSLRVG